The following is an entry in ClinVar:

ClinVar aggregate classification (germline): Uncertain significance (1 of 4 stars; one submission).

Conditions:
RASopathy. Also called: rasopathies; Noonan spectrum disorder. Identifiers: Orphanet 536391, MedGen C5555857, MONDO:0021060.

Submission:

Labcorp Genetics (formerly Invitae), Labcorp
Classification: Uncertain significance for RASopathy. Last evaluated: 2025-02-12. Review status: criteria provided, single submitter. Criteria: Invitae Variant Classification Sherloc (09022015). Collection method: clinical testing. Allele origin: germline.
Comment: This variant, c.21_26dup, results in the insertion of 2 amino acid(s) of the BRAF protein (p.Gly10_Gly11dup), but otherwise preserves the integrity of the reading frame. This variant is present in population databases (no rsID available, gnomAD 0.01%). This variant has not been reported in the literature in individuals affected with BRAF-related conditions. Experimental studies and prediction algorithms are not available or were not evaluated, and the functional significance of this variant is currently unknown. In summary, the available evidence is currently insufficient to determine the role of this variant in disease. Therefore, it has been classified as a Variant of Uncertain Significance.

NM_004333.6(BRAF):c.15CGGTGG[3] (p.Gly10_Gly11dup)

Gene: BRAF (B-Raf proto-oncogene, serine/threonine kinase; minus strand). Cytogenetic location: 7q34.
Variant type: Microsatellite.
Coding change: c.15CGGTGG[3] on transcript NM_004333.6 (MANE Select); three copies in a row of the 6-base unit CGGTGG starting at c.15; the reference has two copies in a row; one copy, 6 bases duplicated.
Protein change: p.Gly10_Gly11dup.
Molecular consequence: inframe insertion.
Genome position (GRCh38, 1-based): chr7:140,924,678-140,924,683, CCACCG duplicated on the plus strand (CGGTGG on the coding strand, the reverse complement: BRAF is on the minus strand); duplicating any 6 consecutive bases within chr7:140,924,678-140,924,690 gives the same sequence; the position shown is the placement nearest the transcript's 3' end. VCF-style (leftmost placement, unchanged base first): chr7-140924677-A-ACCACCG. GRCh37 (hg19) VCF-style: chr7-140624477-A-ACCACCG.
Other names: c.15CGGTGG[3], p.Gly10_Gly11dup (NM_001354609.2, NM_001374244.1, NM_001374258.1 and 7 more transcripts).
Identifiers: ClinVar variation 1418247 (VCV001418247.8), dbSNP rs1466749878, ClinGen allele CA578391402.
Genomic context (GRCh38, chr7:140,924,677, plus strand): 5'-GGCGCCGGCCTCGGGCTCCATGTCCCCGTTGAACAGAGCCTGGCCCGGCTCCGCGCCGCC[A>ACCACCG]CCACCGCCACCGCTCAGCGCCGCCATCTTATAACCGAGAGCCGGGGCCCGAGCGGCCGCT-3'